The following is an entry in ClinVar:

ClinVar aggregate classification (germline): Uncertain significance (1 of 4 stars; one submission).

Submission:

GeneDx
Classification: Uncertain significance. Last evaluated: 2023-11-28. Review status: criteria provided, single submitter. Criteria: GeneDx Variant Classification Process June 2021. Collection method: clinical testing. Allele origin: germline. Affected: yes.
Comment: Not observed at significant frequency in large population cohorts (gnomAD); In silico analysis supports that this missense variant has a deleterious effect on protein structure/function; Has not been previously published as pathogenic or benign to our knowledge

NM_001353921.2(ARHGEF9):c.1123A>G (p.Met375Val)

Gene: ARHGEF9 (Cdc42 guanine nucleotide exchange factor 9; minus strand). Cytogenetic location: Xq11.1.
Variant type: single nucleotide variant.
Coding change: c.1123A>G on transcript NM_001353921.2 (MANE Select); coding-DNA position 1123, A replaced by G.
Protein change: p.Met375Val; replaces methionine 375 with valine.
Molecular consequence: missense variant. On other transcripts: intron variant (2).
Genome position (GRCh38, 1-based): chrX:63,655,692, T>C on the plus strand (A>G on the coding strand, the complement: ARHGEF9 is on the minus strand). VCF-style: chrX-63655692-T-C. GRCh37 (hg19) VCF-style: chrX-62875572-T-C.
Other names: c.943A>G, p.Met315Val (NM_001173479.2); c.796A>G, p.Met266Val (NM_001173480.2, NM_001369042.1); c.1039A>G, p.Met347Val (NM_001330495.2, NM_001369033.1, NM_001369034.1 and 4 more transcripts); c.991A>G, p.Met331Val (NM_001353922.2); c.1141A>G, p.Met381Val (NM_001353923.1); c.922A>G, p.Met308Val (NM_001353924.2, NM_001353926.2, NM_001369039.1 and 1 more transcripts); c.907A>G, p.Met303Val (NM_001353927.2, NM_001369041.1); c.970A>G, p.Met324Val (NM_001353928.2); and 3 more; short protein forms M186V, M266V, M303V, M308V, M315V, M324V, M331V, M347V.
Identifiers: ClinVar variation 3364968 (VCV003364968.1).